The following is an entry in ClinVar:

NM_005529.7(HSPG2):c.2023C>T (p.Arg675Trp)

Gene: HSPG2 (heparan sulfate proteoglycan 2; minus strand). Cytogenetic location: 1p36.12.
Variant type: single nucleotide variant.
Coding change: c.2023C>T on transcript NM_005529.7 (MANE Select); coding-DNA position 2023, C replaced by T.
Protein change: p.Arg675Trp; replaces arginine 675 with tryptophan.
Molecular consequence: missense variant.
Genome position (GRCh38, 1-based): chr1:21,880,535, G>A on the plus strand (C>T on the coding strand, the complement: HSPG2 is on the minus strand). VCF-style: chr1-21880535-G-A. GRCh37 (hg19) VCF-style: chr1-22207028-G-A.
Other names: c.2026C>T, p.Arg676Trp (NM_001291860.2); short protein forms R675W, R676W.
Identifiers: ClinVar variation 295885 (VCV000295885.13), dbSNP rs373299826, ClinGen allele CA673215.

ClinVar aggregate classification (germline): Uncertain significance. Review status: criteria provided, multiple submitters, no conflicts (2 of 4 stars). 7 submissions from 6 submitters: Uncertain significance (7). Last evaluated 2022-06-20.

Conditions:
Inborn genetic diseases. Identifiers: MedGen C0950123, MeSH D030342.
Lethal Kniest-like syndrome (DDSH). Also called: Dyssegmental Dysplasia. Identifiers: Orphanet 1865, MedGen C1857100, MONDO:0009140, OMIM 224410.
Schwartz-Jampel syndrome type 1 (SJS1). Also called: MYOTONIC MYOPATHY, DWARFISM, CHONDRODYSTROPHY, AND OCULAR AND FACIAL ABNORMALITIES; CHONDRODYSTROPHIC MYOTONIA. Identifiers: MedGen C4551479, MONDO:0100435, OMIM 255800.
Schwartz-Jampel syndrome. Also called: Myotonic myopathy dwarfism chondrodystrophy and ocular and facial abnormalities. Identifiers: Orphanet 800, MedGen C0036391, MONDO:0009717.

Allele frequency attached by ClinVar (database versions not stated): gnomAD exomes 0.00009; ExAC 0.00012; gnomAD 0.00012 and 0.00013; ESP Exome Variant Server 0.00015; TOPMed 0.00019.
gnomAD v4.1: 136 of 1,613,526 alleles (0.0084%); highest among the groups gnomAD compares: East Asian, 0.091%; no homozygotes.

Submissions (7):

Labcorp Genetics (formerly Invitae), Labcorp
Classification: Uncertain significance. Last evaluated: 2022-06-20. Review status: criteria provided, single submitter. Criteria: Invitae Variant Classification Sherloc (09022015). Collection method: clinical testing. Allele origin: germline.
Comment: This sequence change replaces arginine, which is basic and polar, with tryptophan, which is neutral and slightly polar, at codon 675 of the HSPG2 protein (p.Arg675Trp). This variant is present in population databases (rs373299826, gnomAD 0.03%). This variant has not been reported in the literature in individuals affected with HSPG2-related conditions. ClinVar contains an entry for this variant (Variation ID: 295885). Algorithms developed to predict the effect of missense changes on protein structure and function are either unavailable or do not agree on the potential impact of this missense change (SIFT: "Deleterious"; PolyPhen-2: "Probably Damaging"; Align-GVGD: "Class C0"). In summary, the available evidence is currently insufficient to determine the role of this variant in disease. Therefore, it has been classified as a Variant of Uncertain Significance.

Athena Diagnostics
Classification: Uncertain significance. Last evaluated: 2022-04-28. Review status: criteria provided, single submitter. Criteria: Athena Diagnostics Criteria. Collection method: clinical testing. Allele origin: unknown.

Fulgent Genetics
Classification: Uncertain significance for Lethal Kniest-like syndrome; Schwartz-Jampel syndrome type 1. Last evaluated: 2021-11-17. Review status: criteria provided, single submitter. Criteria: ACMG Guidelines, 2015. Collection method: clinical testing. Allele origin: unknown.

Ambry Genetics
Classification: Uncertain significance for Inborn genetic diseases. Last evaluated: 2021-08-12. Review status: criteria provided, single submitter. Criteria: Ambry Variant Classification Scheme 2023. Collection method: clinical testing. Allele origin: germline.

Revvity Omics, Revvity
Classification: Uncertain significance. Last evaluated: 2019-03-21. Review status: criteria provided, single submitter. Criteria: ACMG Guidelines, 2015. Collection method: clinical testing. Allele origin: germline.

Illumina Laboratory Services, Illumina
Classification: Uncertain significance for Lethal Kniest-like syndrome. Last evaluated: 2018-01-12. Review status: criteria provided, single submitter. Criteria: ICSL Variant Classification Criteria 13 December 2019. Collection method: clinical testing. Allele origin: germline.

Illumina Laboratory Services, Illumina
Classification: Uncertain significance for Schwartz-Jampel syndrome type 1. Last evaluated: 2018-01-12. Review status: criteria provided, single submitter. Criteria: ICSL Variant Classification Criteria 13 December 2019. Collection method: clinical testing. Allele origin: germline.